The following is an entry in ClinVar:

ClinVar aggregate classification (germline): Uncertain significance (1 of 4 stars; one submission).

gnomAD v4.1: 2 of 1,613,926 alleles (0.00012%); highest among the groups gnomAD compares: African/African-American, 0.0013%; no homozygotes.

Submission:

Labcorp Genetics (formerly Invitae), Labcorp
Classification: Uncertain significance. Last evaluated: 2025-11-25. Review status: criteria provided, single submitter. Criteria: Invitae Variant Classification Sherloc (09022015). Collection method: clinical testing. Allele origin: germline.
Comment: This sequence change replaces arginine, which is basic and polar, with threonine, which is neutral and polar, at codon 3150 of the VCAN protein (p.Arg3150Thr). This variant is present in population databases (rs761755274, gnomAD 0.007%). This variant has not been reported in the literature in individuals affected with VCAN-related conditions. An algorithm developed to predict the effect of missense changes on protein structure and function outputs the following: PolyPhen-2: "Benign". The threonine amino acid residue is found in multiple mammalian species, which suggests that this missense change does not adversely affect protein function. In summary, the available evidence is currently insufficient to determine the role of this variant in disease. Therefore, it has been classified as a Variant of Uncertain Significance.

NM_004385.5(VCAN):c.9449G>C (p.Arg3150Thr)

Genes: VCAN (versican; plus strand), VCAN-AS1 (VCAN antisense RNA 1; minus strand). Cytogenetic location: 5q14.3.
Variant type: single nucleotide variant.
Coding change: c.9449G>C on transcript NM_004385.5 (MANE Select); coding-DNA position 9449, G replaced by C.
Protein change: p.Arg3150Thr; replaces arginine 3150 with threonine.
Molecular consequence: missense variant.
Genome position (GRCh38, 1-based): chr5:83,548,040, G>C. VCF-style: chr5-83548040-G-C. GRCh37 (hg19) VCF-style: chr5-82843859-G-C.
Other names: c.1226G>C, p.Arg409Thr (NM_001126336.3); c.6488G>C, p.Arg2163Thr (NM_001164097.2); c.4187G>C, p.Arg1396Thr (NM_001164098.2); short protein forms R1396T, R2163T, R3150T, R409T.
Identifiers: ClinVar variation 4810959 (VCV004810959.1).
Genomic context (GRCh38, chr5:83,548,040, plus strand): 5'-AATGTCACTCTAATCCCTGTCGTAATGGAGCCACTTGTGTTGATGGTTTTAACACATTCA[G>C]GTGCCTCTGCCTTCCAAGTTATGTTGGTGCACTTTGTGAGCAAGGTAAGAGCTATTGCAA-3'
Protein context (NP_004376.2, residues 3140-3160): ATCVDGFNTF[Arg3150Thr]CLCLPSYVGA